The following is an entry in ClinVar:

NM_000276.4(OCRL):c.934A>G (p.Lys312Glu)

Gene: OCRL (OCRL inositol polyphosphate-5-phosphatase; plus strand). Cytogenetic location: Xq26.1.
Variant type: single nucleotide variant.
Coding change: c.934A>G on transcript NM_000276.4 (MANE Select); coding-DNA position 934, A replaced by G.
Protein change: p.Lys312Glu; replaces lysine 312 with glutamic acid.
Molecular consequence: missense variant.
Genome position (GRCh38, 1-based): chrX:129,561,288, A>G. VCF-style: chrX-129561288-A-G. GRCh37 (hg19) VCF-style: chrX-128695265-A-G.
Other names: c.937A>G, p.Lys313Glu (NM_001318784.2); c.934A>G, p.Lys312Glu (NM_001587.4); short protein forms K312E, K313E.
Identifiers: ClinVar variation 1028176 (VCV001028176.6), dbSNP rs1936141520, ClinGen allele CA414552420.

ClinVar aggregate classification (germline): Uncertain significance. Review status: criteria provided, multiple submitters, no conflicts (2 of 4 stars). 3 submissions from 3 submitters: Uncertain significance (3). Last evaluated 2024-09-02.

Conditions:
Nephrolithiasis/nephrocalcinosis. Identifiers: MedGen CN580796.
Dent disease type 2. Identifiers: Orphanet 1652, Orphanet 93623, MedGen C1845167, MONDO:0010359, OMIM 300555.
Lowe syndrome (OCRL). Also called: PHOSPHATIDYLINOSITOL 4,5-BISPHOSPHATE 5-PHOSPHATASE DEFICIENCY; Oculocerebrorenal Syndrome; LOWE OCULOCEREBRORENAL SYNDROME. Identifiers: Orphanet 534, MedGen C0028860, MONDO:0010645, OMIM 309000.

Submissions (4):

Ambry Genetics
Classification: Uncertain significance for Nephrolithiasis/nephrocalcinosis. Last evaluated: 2024-09-02. Review status: criteria provided, single submitter. Criteria: Ambry Variant Classification Scheme 2023. Collection method: clinical testing. Allele origin: germline.

Labcorp Genetics (formerly Invitae), Labcorp
Classification: Uncertain significance for Lowe syndrome. Last evaluated: 2024-01-04. Review status: criteria provided, single submitter. Criteria: Invitae Variant Classification Sherloc (09022015). Collection method: clinical testing. Allele origin: germline.
Comment: This sequence change replaces lysine, which is basic and polar, with glutamic acid, which is acidic and polar, at codon 312 of the OCRL protein (p.Lys312Glu). This variant is not present in population databases (gnomAD no frequency). This variant has not been reported in the literature in individuals affected with OCRL-related conditions. ClinVar contains an entry for this variant (Variation ID: 1028176). Advanced modeling of protein sequence and biophysical properties (such as structural, functional, and spatial information, amino acid conservation, physicochemical variation, residue mobility, and thermodynamic stability) performed at Invitae indicates that this missense variant is not expected to disrupt OCRL protein function with a negative predictive value of 95%. In summary, the available evidence is currently insufficient to determine the role of this variant in disease. Therefore, it has been classified as a Variant of Uncertain Significance.

Baylor Genetics
Classification: Uncertain significance for Dent disease type 2. Last evaluated: 2020-11-03. Review status: criteria provided, single submitter. Criteria: ACMG Guidelines, 2015. Collection method: clinical testing. Allele origin: unknown. Affected: yes.
Comment: This variant was determined to be of uncertain significance according to ACMG Guidelines, 2015 [PMID:25741868].

Dr. Peter K. Rogan Lab, Western University
No classification provided (evidence only). Condition: Nonpapillary renal cell carcinoma. Review status: no classification provided. Collection method: in vitro. Allele origin: not applicable. Functional consequence: retained intron. Not counted in ClinVar's aggregate classification.